The following is an entry in ClinVar:

ClinVar aggregate classification (germline): Likely benign (1 of 4 stars; one submission).

Conditions:
SHH-related disorder. Also called: SHH-related disorders; SHH-related condition.

gnomAD v4.1: 22 of 457,080 alleles (0.0048%); highest among the groups gnomAD compares: East Asian, 0.15%; no homozygotes.

Submission:

PreventionGenetics, part of Exact Sciences
Classification: Likely benign for SHH-related condition. Last evaluated: 2025-01-23. Review status: criteria provided, single submitter. Criteria: ACMG Guidelines, 2015. Collection method: clinical testing. Allele origin: germline.
Comment: This variant is classified as likely benign based on ACMG/AMP sequence variant interpretation guidelines (Richards et al. 2015 PMID: 25741868, with internal and published modifications).

NC_000007.14:g.156736603C>T

Genes: LMBR1 (limb development membrane protein 1; minus strand), SHH (sonic hedgehog signaling molecule; minus strand). Cytogenetic location: 7q36.3.
Variant type: single nucleotide variant.
Molecular consequence: intron variant (on NM_022458.4). On other transcripts: missense variant (2).
Genome position: GRCh38 VCF-style: chr7-156736603-C-T. GRCh37 (hg19) VCF-style: chr7-156529297-C-T.
Other names: c.770G>A, p.Cys257Tyr (NM_001350953.2, NM_001363409.2); c.695-2346G>A (NM_001363412.2); c.479-2346G>A (NM_001350954.2); c.758-2346G>A (NM_001363410.2, NM_022458.4); c.302-2346G>A (NM_001350958.2, NM_001350956.2, NM_001350955.2 and 1 more transcripts); c.389-2346G>A (NM_001350957.2, NM_001363411.2); short protein forms C257Y.
Identifiers: ClinVar variation 4990551 (VCV004990551.1).